The following is an entry in ClinVar:

ClinVar aggregate classification (germline): Uncertain significance. Review status: criteria provided, multiple submitters, no conflicts (2 of 4 stars). 2 submissions from 2 submitters: Uncertain significance (2). Last evaluated 2025-11-30.

Conditions:
Inborn genetic diseases. Identifiers: MedGen C0950123, MeSH D030342.

Allele frequency attached by ClinVar (database versions not stated): gnomAD 0.00001 and 0.00002; TOPMed 0.00002; ExAC 0.00004; gnomAD exomes 0.00004.
gnomAD v4.1: 43 of 1,613,610 alleles (0.0027%); highest among the groups gnomAD compares: South Asian, 0.012%; no homozygotes.

Submissions (2):

Labcorp Genetics (formerly Invitae), Labcorp
Classification: Uncertain significance. Last evaluated: 2025-11-30. Review status: criteria provided, single submitter. Criteria: Invitae Variant Classification Sherloc (09022015). Collection method: clinical testing. Allele origin: germline.
Comment: This sequence change replaces proline, which is neutral and non-polar, with leucine, which is neutral and non-polar, at codon 396 of the TMPRSS6 protein (p.Pro396Leu). This variant is present in population databases (rs758174870, gnomAD 0.02%). This variant has not been reported in the literature in individuals affected with TMPRSS6-related conditions. ClinVar contains an entry for this variant (Variation ID: 1513229). Invitae Evidence Modeling of protein sequence and biophysical properties (such as structural, functional, and spatial information, amino acid conservation, physicochemical variation, residue mobility, and thermodynamic stability) indicates that this missense variant is not expected to disrupt TMPRSS6 protein function with a negative predictive value of 80%. In summary, the available evidence is currently insufficient to determine the role of this variant in disease. Therefore, it has been classified as a Variant of Uncertain Significance.

Ambry Genetics
Classification: Uncertain significance for Inborn genetic diseases. Last evaluated: 2025-08-31. Review status: criteria provided, single submitter. Criteria: Ambry Variant Classification Scheme 2023. Collection method: clinical testing. Allele origin: germline.

NM_001374504.1(TMPRSS6):c.1160C>T (p.Pro387Leu)

Gene: TMPRSS6 (transmembrane serine protease 6; minus strand). Cytogenetic location: 22q12.3.
Variant type: single nucleotide variant.
Coding change: c.1160C>T on transcript NM_001374504.1 (MANE Select); coding-DNA position 1160, C replaced by T.
Protein change: p.Pro387Leu; replaces proline 387 with leucine.
Molecular consequence: missense variant.
Genome position (GRCh38, 1-based): chr22:37,084,331, G>A on the plus strand (C>T on the coding strand, the complement: TMPRSS6 is on the minus strand). VCF-style: chr22-37084331-G-A. GRCh37 (hg19) VCF-style: chr22-37480371-G-A.
Other names: c.1187C>T (NM_153609.2); c.1160C>T, p.Pro387Leu (NM_001289000.2, NM_001289001.2, NM_153609.4); short protein forms P387L.
Identifiers: ClinVar variation 1513229 (VCV001513229.9), dbSNP rs758174870, ClinGen allele CA10215751.